The following is an entry in ClinVar:

NM_022047.4(DEF6):c.1793C>T (p.Pro598Leu)

Gene: DEF6 (DEF6 guanine nucleotide exchange factor; plus strand). Cytogenetic location: 6p21.31.
Variant type: single nucleotide variant.
Coding change: c.1793C>T on transcript NM_022047.4 (MANE Select); coding-DNA position 1793, C replaced by T.
Protein change: p.Pro598Leu; replaces proline 598 with leucine.
Molecular consequence: missense variant.
Genome position (GRCh38, 1-based): chr6:35,321,307, C>T. VCF-style: chr6-35321307-C-T. GRCh37 (hg19) VCF-style: chr6-35289084-C-T.
Other names: short protein forms P598L.
Identifiers: ClinVar variation 2003762 (VCV002003762.4), dbSNP rs2534194580, ClinGen allele CA363769028.
Genomic context (GRCh38, chr6:35,321,307, plus strand): 5'-GTGACTCCTCCCTAAAGCGCCTGACCCGCTGGGGATCCCAGGGCAACAGGACCCCCTCGC[C>T]CAACAGCAATGAGCAGCAGAAGTCCCTCAATGGTGGGGATGAGGCTCCTGCCCCGGCTTC-3'
Protein context (NP_071330.3, residues 588-608): WGSQGNRTPS[Pro598Leu]NSNEQQKSLN

ClinVar aggregate classification (germline): Uncertain significance (1 of 4 stars; one submission).

Submission:

Labcorp Genetics (formerly Invitae), Labcorp
Classification: Uncertain significance. Last evaluated: 2022-06-09. Review status: criteria provided, single submitter. Criteria: Invitae Variant Classification Sherloc (09022015). Collection method: clinical testing. Allele origin: germline.
Comment: In summary, the available evidence is currently insufficient to determine the role of this variant in disease. Therefore, it has been classified as a Variant of Uncertain Significance. Algorithms developed to predict the effect of missense changes on protein structure and function output the following: SIFT: "Tolerated"; PolyPhen-2: "Benign"; Align-GVGD: "Class C0". The leucine amino acid residue is found in multiple mammalian species, which suggests that this missense change does not adversely affect protein function. This variant has not been reported in the literature in individuals affected with DEF6-related conditions. This variant is not present in population databases (gnomAD no frequency). This sequence change replaces proline, which is neutral and non-polar, with leucine, which is neutral and non-polar, at codon 598 of the DEF6 protein (p.Pro598Leu).